The following is an entry in ClinVar:

ClinVar aggregate classification (germline): Pathogenic (1 of 4 stars; one submission).

Submission:

Labcorp Genetics (formerly Invitae), Labcorp
Classification: Pathogenic. Last evaluated: 2024-04-17. Review status: criteria provided, single submitter. Criteria: Invitae Variant Classification Sherloc (09022015). Collection method: clinical testing. Allele origin: germline.
Comment: This sequence change creates a premature translational stop signal (p.Asn1013Lysfs*10) in the PRPF8 gene. It is expected to result in an absent or disrupted protein product. Loss-of-function variants in PRPF8 are known to be pathogenic (PMID: 27208204, 31054281, 33946315). This variant is not present in population databases (gnomAD no frequency). This variant has not been reported in the literature in individuals affected with PRPF8-related conditions. ClinVar contains an entry for this variant (Variation ID: 1477669). For these reasons, this variant has been classified as Pathogenic.

Literature cited by the submitters: PubMed 27208204; PubMed 31054281; PubMed 33946315.

NM_006445.4(PRPF8):c.3039del (p.Asn1013fs)

Gene: PRPF8 (pre-mRNA processing factor 8; minus strand). Cytogenetic location: 17p13.3.
Variant type: Deletion.
Coding change: c.3039del on transcript NM_006445.4 (MANE Select); coding-DNA position 3039, one base deleted (C; older notation c.3039delC).
Protein change: p.Asn1013fs; shifts the reading frame from asparagine 1013.
Molecular consequence: frameshift variant.
Genome position (GRCh38, 1-based): chr17:1,675,173, G deleted on the plus strand (C on the coding strand, the reverse complement: PRPF8 is on the minus strand). VCF-style (leftmost placement, unchanged base first): chr17-1675172-TG-T. GRCh37 (hg19) VCF-style: chr17-1578466-TG-T.
Other names: short protein forms N1013fs.
Identifiers: ClinVar variation 1477669 (VCV001477669.6), dbSNP rs2151127334, ClinGen allele CA2573153171.